The following is an entry in ClinVar:

NM_000070.3(CAPN3):c.285_286delinsTT (p.Gln96Ter)

Gene: CAPN3 (calpain 3; plus strand). Cytogenetic location: 15q15.1.
Variant type: Indel.
Coding change: c.285_286delinsTT on transcript NM_000070.3 (MANE Select); coding-DNA positions 285 to 286, CC replaced by TT.
Protein change: p.Gln96Ter; replaces glutamine 96 with a stop codon.
Molecular consequence: nonsense.
Genome position (GRCh38, 1-based): chr15:42,360,090-42,360,091, CC replaced by TT. VCF-style: chr15-42360090-CC-TT. GRCh37 (hg19) VCF-style: chr15-42652288-CC-TT.
Other names: c.285_286delinsTT, p.Gln96Ter (NM_024344.2, NM_173087.2); short protein forms Q96*.
Identifiers: ClinVar variation 4762112 (VCV004762112.1).

ClinVar aggregate classification (germline): Pathogenic (1 of 4 stars; one submission).

Conditions:
Autosomal recessive limb-girdle muscular dystrophy type 2A (LGMDR1). Also called: Limb-girdle muscular dystrophy, type 2A; Calpainopathy; LEYDEN-MOEBIUS MUSCULAR DYSTROPHY; MUSCULAR DYSTROPHY, PELVOFEMORAL; Muscular dystrophy, limb-girdle, type 2A, Amish. Identifiers: Orphanet 267, MedGen C1869123, MONDO:0009675, OMIM 253600. Disease mechanism: loss of function.

Submission:

Labcorp Genetics (formerly Invitae), Labcorp
Classification: Pathogenic for Autosomal recessive limb-girdle muscular dystrophy type 2A. Last evaluated: 2026-01-29. Review status: criteria provided, single submitter. Criteria: Invitae Variant Classification Sherloc (09022015). Collection method: clinical testing. Allele origin: germline.
Comment: This sequence change creates a premature translational stop signal (p.Gln96*) in the CAPN3 gene. It is expected to result in an absent or disrupted protein product. Loss-of-function variants in CAPN3 are known to be pathogenic (PMID: 10330340, 15689361). Information on the frequency of this variant in the gnomAD database is not available, as this variant may be reported differently in the database. This variant has not been reported in the literature in individuals affected with CAPN3-related conditions. For these reasons, this variant has been classified as Pathogenic.

Literature cited by the submitters: PubMed 10330340; PubMed 15689361.